The following is an entry in ClinVar:

NM_003072.5(SMARCA4):c.154G>A (p.Ala52Thr)

Gene: SMARCA4 (SWI/SNF related BAF chromatin remodeling complex subunit ATPase 4; plus strand). Cytogenetic location: 19p13.2.
Variant type: single nucleotide variant.
Coding change: c.154G>A on transcript NM_003072.5 (MANE Select); coding-DNA position 154, G replaced by A.
Protein change: p.Ala52Thr; replaces alanine 52 with threonine.
Molecular consequence: missense variant. On other transcripts: non-coding transcript variant (1).
Genome position (GRCh38, 1-based): chr19:10,984,305, G>A. VCF-style: chr19-10984305-G-A. GRCh37 (hg19) VCF-style: chr19-11094981-G-A.
Other names: c.154G>A, p.Ala52Thr (NM_001128844.3, NM_001128845.2, NM_001128846.2 and 5 more transcripts); short protein forms A52T.
Identifiers: ClinVar variation 408708 (VCV000408708.14), dbSNP rs1060502103, ClinGen allele CA16615846.

ClinVar aggregate classification (germline): Uncertain significance. Review status: criteria provided, multiple submitters, no conflicts (2 of 4 stars). 3 submissions from 3 submitters: Uncertain significance (3). Last evaluated 2023-11-25.

Conditions:
Hereditary cancer-predisposing syndrome. Also called: Hereditary Cancer Syndrome; Hereditary neoplastic syndrome; Neoplastic Syndromes, Hereditary; Tumor predisposition. Identifiers: Orphanet 140162, MedGen C0027672, MeSH D009386, MONDO:0015356.
Intellectual disability, autosomal dominant 16 (CSS4). Also called: COFFIN-SIRIS SYNDROME 4. Identifiers: Orphanet 1465, MedGen C3553249, MONDO:0013821, OMIM 614609.
Rhabdoid tumor predisposition syndrome 2 (RTPS2). Identifiers: Orphanet 231108, Orphanet 69077, MedGen C2750074, MONDO:0013224, OMIM 613325.

Allele frequency attached by ClinVar (database versions not stated): gnomAD exomes below 0.00001.

Submissions (3):

Labcorp Genetics (formerly Invitae), Labcorp
Classification: Uncertain significance for Rhabdoid tumor predisposition syndrome 2. Last evaluated: 2023-11-25. Review status: criteria provided, single submitter. Criteria: Invitae Variant Classification Sherloc (09022015). Collection method: clinical testing. Allele origin: germline.
Comment: This sequence change replaces alanine, which is neutral and non-polar, with threonine, which is neutral and polar, at codon 52 of the SMARCA4 protein (p.Ala52Thr). This variant is not present in population databases (gnomAD no frequency). This variant has not been reported in the literature in individuals affected with SMARCA4-related conditions. ClinVar contains an entry for this variant (Variation ID: 408708). Advanced modeling of protein sequence and biophysical properties (such as structural, functional, and spatial information, amino acid conservation, physicochemical variation, residue mobility, and thermodynamic stability) performed at Invitae indicates that this missense variant is not expected to disrupt SMARCA4 protein function with a negative predictive value of 95%. In summary, the available evidence is currently insufficient to determine the role of this variant in disease. Therefore, it has been classified as a Variant of Uncertain Significance.

Ambry Genetics
Classification: Uncertain significance for Hereditary cancer-predisposing syndrome. Last evaluated: 2023-08-16. Review status: criteria provided, single submitter. Criteria: Ambry Variant Classification Scheme 2023. Collection method: clinical testing. Allele origin: germline.
Comment: The p.A52T variant (also known as c.154G>A), located in coding exon 1 of the SMARCA4 gene, results from a G to A substitution at nucleotide position 154. The alanine at codon 52 is replaced by threonine, an amino acid with similar properties. This amino acid position is not well conserved in available vertebrate species. In addition, this alteration is predicted to be tolerated by in silico analysis. Missense and in-frame variants in SMARCA4 are known to cause neurodevelopmental disorders; however, such associations with rhabdoid tumor predisposition syndrome including small cell carcinoma of the ovary-hypercalcemic type (SCCOHT) are exceedingly rare (Kosho T et al. Am J Med Genet C Semin Med Genet. 2014 Sep;166C(3):262-75; Jelinic P et al. Nat Genet. 2014 May;46(5):424-6). Based on the supporting evidence, the association of this alteration with Coffin-Siris syndrome is unknown; however, the association of this alteration with rhabdoid tumor predisposition syndrome is unlikely.

Genome-Nilou Lab
Classification: Uncertain significance for Intellectual disability, autosomal dominant 16. Last evaluated: 2021-07-15. Review status: criteria provided, single submitter. Criteria: ACMG Guidelines, 2015. Collection method: clinical testing. Allele origin: germline. Affected: no.